The following is an entry in ClinVar:

ClinVar aggregate classification (germline): Uncertain significance (1 of 4 stars; one submission).

Conditions:
Cutis laxa, autosomal recessive, type 1B (ARCL1B). Also called: EFEMP2-Related Cutis Laxa; CUTIS LAXA, AUTOSOMAL RECESSIVE, TYPE IB. Identifiers: Orphanet 90349, MedGen C3280798, MONDO:0013754, OMIM 614437. Disease mechanism: loss of function.

Allele frequency attached by ClinVar (database versions not stated): gnomAD 0.00001; gnomAD exomes 0.00002; ExAC 0.00004.

Submission:

Labcorp Genetics (formerly Invitae), Labcorp
Classification: Uncertain significance for Cutis laxa, autosomal recessive, type 1B. Last evaluated: 2022-09-07. Review status: criteria provided, single submitter. Criteria: Invitae Variant Classification Sherloc (09022015). Collection method: clinical testing. Allele origin: germline.
Comment: This sequence change replaces proline, which is neutral and non-polar, with serine, which is neutral and polar, at codon 102 of the EFEMP2 protein (p.Pro102Ser). This variant is present in population databases (rs756704201, gnomAD 0.01%). This variant has not been reported in the literature in individuals affected with EFEMP2-related conditions. ClinVar contains an entry for this variant (Variation ID: 1443283). Algorithms developed to predict the effect of missense changes on protein structure and function (SIFT, PolyPhen-2, Align-GVGD) all suggest that this variant is likely to be tolerated. In summary, the available evidence is currently insufficient to determine the role of this variant in disease. Therefore, it has been classified as a Variant of Uncertain Significance.

NM_016938.5(EFEMP2):c.304C>T (p.Pro102Ser)

Gene: EFEMP2 (EGF-like fibulin extracellular matrix protein 2; minus strand). Cytogenetic location: 11q13.1.
Variant type: single nucleotide variant.
Coding change: c.304C>T on transcript NM_016938.5 (MANE Select); coding-DNA position 304, C replaced by T.
Protein change: p.Pro102Ser; replaces proline 102 with serine.
Molecular consequence: missense variant. On other transcripts: non-coding transcript variant (1).
Genome position (GRCh38, 1-based): chr11:65,871,220, G>A on the plus strand (C>T on the coding strand, the complement: EFEMP2 is on the minus strand). VCF-style: chr11-65871220-G-A. GRCh37 (hg19) VCF-style: chr11-65638691-G-A.
Other names: short protein forms P102S.
Identifiers: ClinVar variation 1443283 (VCV001443283.5), dbSNP rs756704201, ClinGen allele CA6110721.
Genomic context (GRCh38, chr11:65,871,220, plus strand): 5'-CACAGCTGTCCTGATCGTCGGGCTCATAGCCTGGTGGGCAGGGGTTGGGGTGTTGAGCGG[G>A]AGGCACTGGTGGCGGGGGTCCCTCGCCGTGTAGGTCGTTGATGACGGCAGCGGAGCGGGG-3'
Protein context (NP_058634.4, residues 92-112): HGEGPPPPVP[Pro102Ser]AQHPNPCPPG